The following is an entry in ClinVar:

NM_016169.4(SUFU):c.684T>C (p.Ile228=)

Gene: SUFU (SUFU negative regulator of hedgehog signaling; plus strand). Cytogenetic location: 10q24.32.
Variant type: single nucleotide variant.
Coding change: c.684T>C on transcript NM_016169.4 (MANE Select); coding-DNA position 684, T replaced by C.
Protein change: p.Ile228=; no amino-acid change (isoleucine 228 retained).
Molecular consequence: synonymous variant.
Genome position (GRCh38, 1-based): chr10:102,593,993, T>C. VCF-style: chr10-102593993-T-C. GRCh37 (hg19) VCF-style: chr10-104353750-T-C.
Other names: c.684T>C, p.Ile228= (NM_001178133.2).
Identifiers: ClinVar variation 3451136 (VCV003451136.9).

ClinVar aggregate classification (germline): Likely benign. Review status: criteria provided, multiple submitters, no conflicts (2 of 4 stars). 2 submissions from 2 submitters: Likely benign (2). Last evaluated 2025-08-01.

Conditions:
Hereditary cancer-predisposing syndrome. Also called: Neoplastic Syndromes, Hereditary; Tumor predisposition; Hereditary Cancer Syndrome; Hereditary neoplastic syndrome. Identifiers: Orphanet 140162, MedGen C0027672, MeSH D009386, MONDO:0015356.

Submissions (2):

CeGaT Center for Human Genetics Tuebingen
Classification: Likely benign. Last evaluated: 2025-08-01. Review status: criteria provided, single submitter. Criteria: CeGaT Center For Human Genetics Tuebingen Variant Classification Criteria Version 2. Collection method: clinical testing. Allele origin: germline. Affected: yes. Observed: 1 variant allele.
Comment: SUFU: PM2:Supporting, BP4, BP7

Ambry Genetics
Classification: Likely benign for Hereditary cancer-predisposing syndrome. Last evaluated: 2024-09-22. Review status: criteria provided, single submitter. Criteria: Ambry Variant Classification Scheme 2023. Collection method: clinical testing. Allele origin: germline.